The following is an entry in ClinVar:

ClinVar aggregate classification (germline): Likely benign (1 of 4 stars; one submission).

Allele frequency attached by ClinVar (database versions not stated): gnomAD 0.00003; ExAC 0.00023.

Submission:

CeGaT Center for Human Genetics Tuebingen
Classification: Likely benign. Last evaluated: 2022-11-01. Review status: criteria provided, single submitter. Criteria: CeGaT Center For Human Genetics Tuebingen Variant Classification Criteria Version 2. Collection method: clinical testing. Allele origin: germline. Affected: yes. Observed: 1 variant allele.
Comment: ANKRD36C: BP4, BP7

NM_001393982.1(ANKRD36C):c.1383T>C (p.Phe461=)

Gene: ANKRD36C (ankyrin repeat domain 36C; minus strand). Cytogenetic location: 2q11.1.
Variant type: single nucleotide variant.
Coding change: c.1383T>C on transcript NM_001393982.1 (MANE Select); coding-DNA position 1383, T replaced by C.
Protein change: p.Phe461=; no amino-acid change (phenylalanine 461 retained).
Molecular consequence: synonymous variant.
Genome position (GRCh38, 1-based): chr2:95,945,154, A>G on the plus strand (T>C on the coding strand, the complement: ANKRD36C is on the minus strand). VCF-style: chr2-95945154-A-G. GRCh37 (hg19) VCF-style: chr2-96610902-A-G.
Other names: c.1383T>C, p.Phe461= (NM_001310154.3).
Identifiers: ClinVar variation 2651134 (VCV002651134.24), dbSNP rs370573018, ClinGen allele CA1774783.
Genomic context (GRCh38, chr2:95,945,154, plus strand): 5'-TCAGGTTTCAAATAGCTTACACTTTTCTGCAGATTGTTGAGAAATAGTCCTTCTGTTTGT[A>G]AAGTATGGTTCTGAAATATTCTAGAAGAAAGACACAATAGGTTTAAGAATAACATGCAGC-3'
Protein context (NP_001380911.1, residues 451-471): LESENISEPY[Phe461=]TNRRTISQQS